The following is an entry in ClinVar:

NM_153603.4(COG7):c.1409+7C>G

Gene: COG7 (component of oligomeric golgi complex 7; minus strand). Cytogenetic location: 16p12.2.
Variant type: single nucleotide variant.
Coding change: c.1409+7C>G on transcript NM_153603.4 (MANE Select); 7 bases into the intron after coding-DNA position 1409, C replaced by G.
Molecular consequence: intron variant.
Genome position (GRCh38, 1-based): chr16:23,413,441, G>C on the plus strand (C>G on the coding strand, the complement: COG7 is on the minus strand). VCF-style: chr16-23413441-G-C. GRCh37 (hg19) VCF-style: chr16-23424762-G-C.
Identifiers: ClinVar variation 390068 (VCV000390068.11), dbSNP rs373366651, ClinGen allele CA7960998.

ClinVar aggregate classification (germline): Likely benign. Review status: criteria provided, multiple submitters, no conflicts (2 of 4 stars). 3 submissions from 3 submitters: Likely benign (2). 1 of the submissions does not count toward it. Last evaluated 2026-01-05.

Conditions:
COG7-related disorder. Also called: COG7-related condition.
COG7 congenital disorder of glycosylation (CDG2E). Also called: CONGENITAL DISORDER OF GLYCOSYLATION, TYPE IIe; CDG IIe. Identifiers: Orphanet 79333, MedGen C2931010, MONDO:0012118, OMIM 608779.

Allele frequency attached by ClinVar (database versions not stated): TOPMed 0.00059.
gnomAD v4.1: 118 of 1,371,214 alleles (0.0086%); highest among the groups gnomAD compares: African/African-American, 0.13%; no homozygotes.

Submissions (3):

Labcorp Genetics (formerly Invitae), Labcorp
Classification: Likely benign for COG7 congenital disorder of glycosylation. Last evaluated: 2026-01-05. Review status: criteria provided, single submitter. Criteria: Invitae Variant Classification Sherloc (09022015). Collection method: clinical testing. Allele origin: germline.

GeneDx
Classification: Likely benign. Last evaluated: 2016-11-02. Review status: criteria provided, single submitter. Criteria: GeneDx Variant Classification (06012015). Collection method: clinical testing. Allele origin: germline. Affected: yes.
Comment: This variant is considered likely benign or benign based on one or more of the following criteria: it is a conservative change, it occurs at a poorly conserved position in the protein, it is predicted to be benign by multiple in silico algorithms, and/or has population frequency not consistent with disease.

PreventionGenetics, part of Exact Sciences
Classification: Likely benign for COG7-related condition. Last evaluated: 2019-07-30. Review status: no assertion criteria provided. Collection method: clinical testing. Allele origin: germline. Not counted in ClinVar's aggregate classification.
Comment: This variant is classified as likely benign based on ACMG/AMP sequence variant interpretation guidelines (Richards et al. 2015 PMID: 25741868, with internal and published modifications).